The following is an entry in ClinVar:

NM_004336.5(BUB1):c.1880A>G (p.Asn627Ser)

Gene: BUB1 (BUB1 mitotic checkpoint serine/threonine kinase; minus strand). Cytogenetic location: 2q13.
Variant type: single nucleotide variant.
Coding change: c.1880A>G on transcript NM_004336.5 (MANE Select); coding-DNA position 1880, A replaced by G.
Protein change: p.Asn627Ser; replaces asparagine 627 with serine.
Molecular consequence: missense variant.
Genome position (GRCh38, 1-based): chr2:110,653,520, T>C on the plus strand (A>G on the coding strand, the complement: BUB1 is on the minus strand). VCF-style: chr2-110653520-T-C. GRCh37 (hg19) VCF-style: chr2-111411097-T-C.
Other names: c.1820A>G, p.Asn607Ser (NM_001278616.2); c.1880A>G, p.Asn627Ser (NM_001278617.2); short protein forms N607S, N627S.
Identifiers: ClinVar variation 1781882 (VCV001781882.2), dbSNP rs2467996802, ClinGen allele CA348210397.

ClinVar aggregate classification (germline): Uncertain significance (1 of 4 stars; one submission).

Submission:

Ambry Genetics
Classification: Uncertain significance. Last evaluated: 2022-04-03. Review status: criteria provided, single submitter. Criteria: Ambry Variant Classification Scheme 2023. Collection method: clinical testing. Allele origin: germline.
Comment: The p.N627S variant (also known as c.1880A>G), located in coding exon 17 of the BUB1 gene, results from an A to G substitution at nucleotide position 1880. The asparagine at codon 627 is replaced by serine, an amino acid with highly similar properties. This amino acid position is conserved. In addition, this alteration is predicted to be tolerated by in silico analysis. Since supporting evidence is limited at this time, the clinical significance of this alteration remains unclear.